The following is an entry in ClinVar:

NM_020366.4(RPGRIP1):c.10C>A (p.Leu4Met)

Gene: RPGRIP1 (RPGR interacting protein 1; plus strand). Cytogenetic location: 14q11.2.
Variant type: single nucleotide variant.
Coding change: c.10C>A on transcript NM_020366.4 (MANE Select); coding-DNA position 10, C replaced by A.
Protein change: p.Leu4Met; replaces leucine 4 with methionine.
Molecular consequence: missense variant.
Genome position (GRCh38, 1-based): chr14:21,287,986, C>A. VCF-style: chr14-21287986-C-A. GRCh37 (hg19) VCF-style: chr14-21756145-C-A.
Other names: short protein forms L4M.
Identifiers: ClinVar variation 1006144 (VCV001006144.8), dbSNP rs1462796890, ClinGen allele CA388856788.

ClinVar aggregate classification (germline): Uncertain significance (1 of 4 stars; one submission).

Conditions:
Cone-rod dystrophy 13 (CORD13). Identifiers: Orphanet 1872, MedGen C2750720, MONDO:0011987, OMIM 608194.
Leber congenital amaurosis 6 (LCA6). Identifiers: Orphanet 65, MedGen C1854260, MONDO:0013446, OMIM 613826.

Submission:

Labcorp Genetics (formerly Invitae), Labcorp
Classification: Uncertain significance for Leber congenital amaurosis 6; Cone-rod dystrophy 13. Last evaluated: 2020-09-18. Review status: criteria provided, single submitter. Criteria: Invitae Variant Classification Sherloc (09022015). Collection method: clinical testing. Allele origin: germline.
Comment: This sequence change replaces leucine with methionine at codon 4 of the RPGRIP1 protein (p.Leu4Met). The leucine residue is moderately conserved and there is a small physicochemical difference between leucine and methionine. This variant is not present in population databases (ExAC no frequency). This variant has not been reported in the literature in individuals with RPGRIP1-related conditions. Algorithms developed to predict the effect of missense changes on protein structure and function are either unavailable or do not agree on the potential impact of this missense change (SIFT: "Tolerated"; PolyPhen-2: "Possibly Damaging"; Align-GVGD: "Class C0"). In summary, the available evidence is currently insufficient to determine the role of this variant in disease. Therefore, it has been classified as a Variant of Uncertain Significance.